The following is an entry in ClinVar:

NM_002529.4(NTRK1):c.531T>C (p.Cys177=)

Gene: NTRK1 (neurotrophic receptor tyrosine kinase 1; plus strand). Cytogenetic location: 1q23.1.
Variant type: single nucleotide variant.
Coding change: c.531T>C on transcript NM_002529.4 (MANE Select); coding-DNA position 531, T replaced by C.
Protein change: p.Cys177=; no amino-acid change (cysteine 177 retained).
Molecular consequence: synonymous variant.
Genome position (GRCh38, 1-based): chr1:156,868,206, T>C. VCF-style: chr1-156868206-T-C. GRCh37 (hg19) VCF-style: chr1-156837998-T-C.
Other names: c.441T>C, p.Cys147= (NM_001007792.1); c.531T>C, p.Cys177= (NM_001012331.2); c.531T>C (NM_002529.3).
Identifiers: ClinVar variation 390018 (VCV000390018.15), dbSNP rs1057523619, ClinGen allele CA16603449.

ClinVar aggregate classification (germline): Likely benign. Review status: criteria provided, multiple submitters, no conflicts (2 of 4 stars). 5 submissions from 5 submitters: Likely benign (5). Last evaluated 2026-01-21.

Conditions:
NTRK1-related disorder. Also called: NTRK1-related condition.
Inborn genetic diseases. Identifiers: MedGen C0950123, MeSH D030342.
Hereditary insensitivity to pain with anhidrosis (CIPA). Also called: INSENSITIVITY TO PAIN, CONGENITAL, WITH ANHIDROSIS; NTRK1 Congenital Insensitivity to Pain with Anhidrosis; NEUROPATHY, CONGENITAL SENSORY, WITH ANHIDROSIS; HSAN Type IV; FAMILIAL DYSAUTONOMIA, TYPE II; hereditary sensory and autonomic neuropathy type 4. Identifiers: Orphanet 642, MedGen C0020074, MONDO:0009746, OMIM 256800.

Allele frequency attached by ClinVar (database versions not stated): gnomAD 0.00001 and 0.00002; gnomAD exomes 0.00001 and 0.00002; TOPMed 0.00002.
gnomAD v4.1: 36 of 1,612,902 alleles (0.0022%); highest among the groups gnomAD compares: Non-Finnish European, 0.003%; no homozygotes.

Submissions (5):

PreventionGenetics, part of Exact Sciences
Classification: Likely benign for NTRK1-related condition. Last evaluated: 2026-01-21. Review status: criteria provided, single submitter. Criteria: ACMG Guidelines, 2015. Collection method: clinical testing. Allele origin: germline.
Comment: This variant is classified as likely benign based on ACMG/AMP sequence variant interpretation guidelines (Richards et al. 2015 PMID: 25741868, with internal and published modifications).

Labcorp Genetics (formerly Invitae), Labcorp
Classification: Likely benign for Hereditary insensitivity to pain with anhidrosis. Last evaluated: 2024-11-25. Review status: criteria provided, single submitter. Criteria: Invitae Variant Classification Sherloc (09022015). Collection method: clinical testing. Allele origin: germline.

Genome-Nilou Lab
Classification: Likely benign for Hereditary insensitivity to pain with anhidrosis. Last evaluated: 2023-04-11. Review status: criteria provided, single submitter. Criteria: ACMG Guidelines, 2015. Collection method: clinical testing. Allele origin: germline. Affected: no.

Ambry Genetics
Classification: Likely benign for Inborn genetic diseases. Last evaluated: 2019-07-11. Review status: criteria provided, single submitter. Criteria: Ambry Variant Classification Scheme 2023. Collection method: clinical testing. Allele origin: germline.

GeneDx
Classification: Likely benign. Last evaluated: 2016-10-26. Review status: criteria provided, single submitter. Criteria: GeneDx Variant Classification (06012015). Collection method: clinical testing. Allele origin: germline. Affected: yes.
Comment: This variant is considered likely benign or benign based on one or more of the following criteria: it is a conservative change, it occurs at a poorly conserved position in the protein, it is predicted to be benign by multiple in silico algorithms, and/or has population frequency not consistent with disease.